The following is an entry in ClinVar:

ClinVar aggregate classification (germline): Uncertain significance. Review status: criteria provided, multiple submitters, no conflicts (2 of 4 stars). 2 submissions from 2 submitters: Uncertain significance (2). Last evaluated 2019-10-17.

Conditions:
Leigh syndrome (NULS). Also called: Leigh's necrotizing encephalopathy; Leigh's disease; Subacute necrotizing encephalopathy; Necrotizing encephalopathy infantile subacute of Leigh; Leigh Syndrome (mtDNA deletion); LEIGH SYNDROME, NUCLEAR. Identifiers: Orphanet 506, MedGen C2931891, MONDO:0009723, OMIM 256000.

Submissions (2):

Wong Mito Lab, Molecular and Human Genetics, Baylor College of Medicine
Classification: Uncertain significance for Leigh syndrome. Last evaluated: 2019-10-17. Review status: criteria provided, single submitter. Criteria: Modified ACMG Guidelines (Unpublished). Collection method: clinical testing. Allele origin: germline.
Comment: The NC_012920.1:m.14969T>C (YP_003024038.1:p.Tyr75His) variant in MTCYB gene is interpretated to be a Uncertain Significance variant based on the modified ACMG guidelines (unpublished). This variant meets the following evidence codes: PM9, PP6

ARUP Laboratories, Molecular Genetics and Genomics, ARUP Laboratories
Classification: Uncertain significance. Last evaluated: 2018-05-03. Review status: criteria provided, single submitter. Criteria: ARUP Molecular Germline Variant Investigation Process. Collection method: clinical testing. Allele origin: germline.
Comment: The m.14969T>C variant affects the MT-CYB gene (c.223T>C; p.Tyr75His). This variant has not been reported in the medical literature, is not listed in gene-specific variant databases, nor has it been previously identified in our laboratory. It is also rare in the general population (0.007% allele frequency in MITOMAP), and the tyrosine at codon 75 is moderately conserved considering 13 species (Alamut v.2.11). Based on the available information, the clinical significance of this variant cannot be determined with certainty. Pathogenic variants in MT-CYB have been reported in association with multiple mitochondrial disorders, including Leber hereditary optic neuropathy (MITOMAP). References: MITOMAP

NC_012920.1(MT-CYB):m.14969T>C

Gene: MT-CYB (mitochondrially encoded cytochrome b; plus strand).
Variant type: single nucleotide variant.
Genome position: chrM-14969-T-C.
Identifiers: ClinVar variation 618215 (VCV000618215.9), dbSNP rs1569484685, ClinGen allele CA913172589.